The following is an entry in ClinVar:

ClinVar aggregate classification (germline): Pathogenic (1 of 4 stars; one submission).

Submission:

Labcorp Genetics (formerly Invitae), Labcorp
Classification: Pathogenic. Last evaluated: 2025-04-22. Review status: criteria provided, single submitter. Criteria: Invitae Variant Classification Sherloc (09022015). Collection method: clinical testing. Allele origin: germline.
Comment: This sequence change creates a premature translational stop signal (p.Glu557*) in the C7 gene. It is expected to result in an absent or disrupted protein product. Loss-of-function variants in C7 are known to be pathogenic (PMID: 9856499, 17407100). This variant is not present in population databases (gnomAD no frequency). This variant has not been reported in the literature in individuals affected with C7-related conditions. Algorithms developed to predict the effect of sequence changes on RNA splicing suggest that this variant may disrupt the consensus splice site. For these reasons, this variant has been classified as Pathogenic.

Literature cited by the submitters: PubMed 9856499; PubMed 17407100.

NM_000587.4(C7):c.1669G>T (p.Glu557Ter)

Gene: C7 (complement C7; plus strand). Cytogenetic location: 5p13.1.
Variant type: single nucleotide variant.
Coding change: c.1669G>T on transcript NM_000587.4 (MANE Select); coding-DNA position 1669, G replaced by T.
Protein change: p.Glu557Ter; replaces glutamic acid 557 with a stop codon.
Molecular consequence: nonsense.
Genome position (GRCh38, 1-based): chr5:40,962,092, G>T. VCF-style: chr5-40962092-G-T. GRCh37 (hg19) VCF-style: chr5-40962194-G-T.
Other names: short protein forms E557*.
Identifiers: ClinVar variation 4718106 (VCV004718106.1).